The following is an entry in ClinVar:

NM_001365631.1(CLASP2):c.1871G>A (p.Arg624Gln)

Gene: CLASP2 (cytoplasmic linker associated protein 2; minus strand). Cytogenetic location: 3p22.3.
Variant type: single nucleotide variant.
Coding change: c.1871G>A on transcript NM_001365631.1 (MANE Select); coding-DNA position 1871, G replaced by A.
Protein change: p.Arg624Gln; replaces arginine 624 with glutamine.
Molecular consequence: missense variant.
Genome position (GRCh38, 1-based): chr3:33,603,005, C>T on the plus strand (G>A on the coding strand, the complement: CLASP2 is on the minus strand). VCF-style: chr3-33603005-C-T. GRCh37 (hg19) VCF-style: chr3-33644497-C-T.
Other names: c.1172G>A, p.Arg391Gln (NM_001207044.3, NM_001375715.1, NM_001375720.1 and 13 more transcripts); c.1871G>A, p.Arg624Gln (NM_001365627.1, NM_001365629.1, NM_001365630.1 and 7 more transcripts); c.1874G>A, p.Arg625Gln (NM_001365628.1, NM_001400405.1, NM_001365633.1 and 3 more transcripts); c.1193G>A, p.Arg398Gln (NM_001375716.1, NM_001400422.1, NM_001400429.1 and 3 more transcripts); c.1190G>A, p.Arg397Gln (NM_001375718.1, NM_001400407.1, NM_001400421.1 and 5 more transcripts); c.1175G>A, p.Arg392Gln (NM_001400424.1, NM_001400415.1, NM_001400431.1 and 2 more transcripts); c.1574G>A, p.Arg525Gln (NM_001375713.1); short protein forms R391Q, R392Q, R397Q, R398Q, R525Q, R624Q, R625Q.
Identifiers: ClinVar variation 3041763 (VCV003041763.16), dbSNP rs199696785, ClinGen allele CA2302825.
Genomic context (GRCh38, chr3:33,603,005, plus strand): 5'-CTCTTACCTAGTGACGCATAGGAACCTGCATTCAGGGCACCTGCACCTAAGCGCCCGCTT[C>T]GCACAGACTGTCCAGCAGCATGATGTGCCTTGGCACCTGCAGCAGCATTCACATCAATGT-3'
Protein context (NP_001352560.1, residues 614-634): KAHHAAGQSV[Arg624Gln]SGRLGAGALN

ClinVar aggregate classification (germline): Likely benign. Review status: criteria provided, single submitter (1 of 4 stars). 2 submissions from 2 submitters: Likely benign (1). 1 of the submissions does not count toward it. Last evaluated 2024-09-01.

Conditions:
CLASP2-related disorder. Also called: CLASP2-related condition.

Allele frequency attached by ClinVar (database versions not stated): 1000 Genomes Project 30x 0.00016; 1000 Genomes Project 0.00020; gnomAD 0.00143; ESP Exome Variant Server 0.00144; gnomAD exomes 0.00188; ExAC 0.00267.

Submissions (2):

CeGaT Center for Human Genetics Tuebingen
Classification: Likely benign. Last evaluated: 2024-09-01. Review status: criteria provided, single submitter. Criteria: CeGaT Center For Human Genetics Tuebingen Variant Classification Criteria Version 2. Collection method: clinical testing. Allele origin: germline. Affected: yes. Observed: 1 variant allele.
Comment: CLASP2: PP2, BP4, BS2

PreventionGenetics, part of Exact Sciences
Classification: Benign for CLASP2-related condition. Last evaluated: 2019-03-15. Review status: no assertion criteria provided. Collection method: clinical testing. Allele origin: germline. Not counted in ClinVar's aggregate classification.
Comment: This variant is classified as benign based on ACMG/AMP sequence variant interpretation guidelines (Richards et al. 2015 PMID: 25741868, with internal and published modifications).